The following is an entry in ClinVar:

NM_000414.4(HSD17B4):c.608dup (p.Val204fs)

Gene: HSD17B4 (hydroxysteroid 17-beta dehydrogenase 4; plus strand). Cytogenetic location: 5q23.1.
Variant type: Duplication.
Coding change: c.608dup on transcript NM_000414.4 (MANE Select); coding-DNA position 608, one base duplicated (C; older notation c.608dupC).
Protein change: p.Val204fs; shifts the reading frame from valine 204.
Molecular consequence: frameshift variant. On other transcripts: non-coding transcript variant (2).
Genome position (GRCh38, 1-based): chr5:119,479,007, C duplicated. VCF-style (leftmost placement, unchanged base first): chr5-119479006-A-AC. GRCh37 (hg19) VCF-style: chr5-118814701-A-AC.
Other names: c.683dup, p.Val229fs (NM_001199291.3); c.554dup, p.Val186fs (NM_001199292.2); c.536dup, p.Val180fs (NM_001292027.2); c.188dup, p.Val64fs (NM_001292028.2); c.599dup, p.Val201fs (NM_001374497.1); c.608dup, p.Val204fs (NM_001374498.1); c.281dup, p.Val95fs (NM_001374499.1); c.167dup, p.Val57fs (NM_001374500.1); and 1 more; short protein forms V180fs, V186fs, V201fs, V204fs, V229fs, V57fs, V64fs, V67fs.
Identifiers: ClinVar variation 4818355 (VCV004818355.2).

ClinVar aggregate classification (germline): Likely pathogenic. Review status: criteria provided, multiple submitters, no conflicts (2 of 4 stars). 2 submissions from 2 submitters: Likely pathogenic (2). Last evaluated 2024-08-26.

Conditions:
HSD17B4-related disorder. Also called: HSD17B4-related condition; HSD17B4-related disorders.
Bifunctional peroxisomal enzyme deficiency (DBIF). Also called: DBP DEFICIENCY; PBFE DEFICIENCY; D-bifunctional protein deficiency. Identifiers: Orphanet 300, MedGen C0342870, MONDO:0009855, OMIM 261515. Disease mechanism: loss of function.

Submissions (2):

Blueprint Genetics
Classification: Likely pathogenic for HSD17B4-related disorders. Last evaluated: 2024-08-26. Review status: criteria provided, single submitter. Criteria: ACMG Guidelines, 2015. Collection method: clinical testing. Allele origin: germline. Affected: yes. Observed: 3 variant alleles.

Natera, Inc.
Classification: Likely pathogenic for Bifunctional peroxisomal enzyme deficiency. Last evaluated: 2024-07-16. Review status: criteria provided, single submitter. Criteria: Natera Variant Classification Schema (03/2026). Collection method: clinical testing. Allele origin: germline.
Comment: The c.608dup variant in HSD17B4 is a frameshift variant predicted to shift the reading frame beginning at codon 204 and leads to a stop codon 4 codons downstream. This variant is expected to result in nonsense mediated decay, truncation, or a dysfunctional protein product. This variant is rare in the general population with a frequency below the threshold expected for the associated phenotype(s). Given the available evidence, this variant is classified as Likely Pathogenic.